The following is an entry in ClinVar:

ClinVar aggregate classification (germline): Uncertain significance. Review status: criteria provided, multiple submitters, no conflicts (2 of 4 stars). 2 submissions from 2 submitters: Uncertain significance (2). Last evaluated 2024-10-26.

Conditions:
Autosomal recessive ataxia, Beauce type. Also called: Spinocerebellar ataxia, autosomal recessive 8; ATAXIA, RECESSIVE, OF BEAUCE; SYNE1-Related Autosomal Recessive Cerebellar Ataxia; SYNE1 Deficiency. Identifiers: Orphanet 88644, MedGen C1853116, MONDO:0012549, OMIM 610743.
Emery-Dreifuss muscular dystrophy 4, autosomal dominant (EDMD4). Also called: EMERY-DREIFUSS MUSCULAR DYSTROPHY 4 WITH VARIABLE FEATURES. Identifiers: Orphanet 261, MedGen C2751807, MONDO:0013071, OMIM 612998.

Allele frequency attached by ClinVar (database versions not stated): gnomAD exomes 0.00001; TOPMed 0.00001; 1000 Genomes Project 30x 0.00016; 1000 Genomes Project 0.00020.
gnomAD v4.1: 8 of 1,614,216 alleles (0.0005%); highest among the groups gnomAD compares: East Asian, 0.0045%; no homozygotes.

Submissions (2):

Labcorp Genetics (formerly Invitae), Labcorp
Classification: Uncertain significance for Emery-Dreifuss muscular dystrophy 4, autosomal dominant; Autosomal recessive ataxia, Beauce type. Last evaluated: 2024-10-26. Review status: criteria provided, single submitter. Criteria: Invitae Variant Classification Sherloc (09022015). Collection method: clinical testing. Allele origin: germline.
Comment: This sequence change replaces arginine, which is basic and polar, with histidine, which is basic and polar, at codon 2934 of the SYNE1 protein (p.Arg2934His). This variant is not present in population databases (gnomAD no frequency). This variant has not been reported in the literature in individuals affected with SYNE1-related conditions. ClinVar contains an entry for this variant (Variation ID: 283665). An algorithm developed to predict the effect of missense changes on protein structure and function (PolyPhen-2) suggests that this variant¬¨‚Ä†is likely to be tolerated. In summary, the available evidence is currently insufficient to determine the role of this variant in disease. Therefore, it has been classified as a Variant of Uncertain Significance.

Eurofins Ntd Llc (ga)
Classification: Uncertain significance. Last evaluated: 2015-09-27. Review status: criteria provided, single submitter. Criteria: EGL Classification Definitions 2015. Collection method: clinical testing. Allele origin: germline. Observed: 1 variant allele, 1 heterozygote.

NM_182961.4(SYNE1):c.8780G>A (p.Arg2927His)

Genes: SYNE1 (spectrin repeat containing nuclear envelope protein 1; minus strand), SYNE1-AS1 (SYNE1 antisense RNA 1; plus strand). Cytogenetic location: 6q25.2.
Variant type: single nucleotide variant.
Coding change: c.8780G>A on transcript NM_182961.4 (MANE Select); coding-DNA position 8780, G replaced by A.
Protein change: p.Arg2927His; replaces arginine 2927 with histidine.
Molecular consequence: missense variant. On other transcripts: non-coding transcript variant (1).
Genome position (GRCh38, 1-based): chr6:152,381,235, C>T on the plus strand (G>A on the coding strand, the complement: SYNE1 is on the minus strand). VCF-style: chr6-152381235-C-T. GRCh37 (hg19) VCF-style: chr6-152702370-C-T.
Other names: c.8801G>A, p.Arg2934His (NM_033071.5); short protein forms R2934H, R2927H.
Identifiers: ClinVar variation 283665 (VCV000283665.12), dbSNP rs148998248, ClinGen allele CA10604554.